The following is an entry in ClinVar:

ClinVar aggregate classification (germline): Uncertain significance. Review status: criteria provided, multiple submitters, no conflicts (2 of 4 stars). 6 submissions from 6 submitters: Uncertain significance (5). 1 of the submissions does not count toward it. Last evaluated 2026-03-13.

Conditions:
Retinitis pigmentosa (RP). Identifiers: Orphanet 791, MedGen C0035334, MeSH D012174, MONDO:0019200, OMIM 268000. Inheritance: Autosomal dominant, autosomal recessive and X linked inheritance.
Retinitis pigmentosa 25 (RP25). Identifiers: Orphanet 791, MedGen C1864446, MONDO:0011272, OMIM 602772.
EYS-related disorder. Also called: EYS-related condition.

Allele frequency attached by ClinVar (database versions not stated): ExAC 0.00028; ESP Exome Variant Server 0.00066; gnomAD 0.00070 and 0.00075; 1000 Genomes Project 30x 0.00078; TOPMed 0.00083; 1000 Genomes Project 0.00100.
gnomAD v4.1: 204 of 1,549,610 alleles (0.013%); highest among the groups gnomAD compares: African/African-American, 0.26%; no homozygotes.

Submissions (6):

PreventionGenetics, part of Exact Sciences
Classification: Uncertain significance for EYS-related condition. Last evaluated: 2026-03-13. Review status: criteria provided, single submitter. Criteria: ACMG Guidelines, 2015. Collection method: clinical testing. Allele origin: germline.
Comment: The EYS c.3694A>T variant is predicted to result in the amino acid substitution p.Ile1232Phe. This variant was reported in individuals with retinitis pigmentosa along with a second EYS variant (see, for example, Audo et al. 2010. PubMed ID: 20333770; Littink et al. 2010. PubMed ID: 20537394). However, this variant is reported in 0.21% of alleles in individuals of African descent in gnomAD, which may be too common to be a primary cause of disease. Another variant affecting the same amino acid, c.3695T>C, p.(Ile1232Thr), has been reported in an individual with retinitis pigmentosa (Gonzalez-del Pozo et al. 2011. PubMed ID: 22164218); however, this individual also had two other causative EYS variants. At this time, the clinical significance of this variant is uncertain due to the absence of conclusive functional and genetic evidence.

Women's Health and Genetics/Laboratory Corporation of America, LabCorp
Classification: Uncertain significance. Last evaluated: 2026-01-12. Review status: criteria provided, single submitter. Criteria: LabCorp Variant Classification Summary - May 2015. Collection method: clinical testing. Allele origin: germline.
Comment: Variant summary: EYS c.3694A>T (p.Ile1232Phe) results in a non-conservative amino acid change in the encoded protein sequence. Algorithms developed to predict the effect of missense changes on protein structure and function are either unavailable or do not agree on the potential impact of this missense change. The variant allele was found at a frequency of 0.00013 in 1549610 control chromosomes. This frequency is not significantly higher than estimated for disease-causing variants in EYS, allowing no conclusion about variant significance. c.3694A>T has been observed in the presumed compound heterozygous or triply heterozygous state in individual(s) affected with clinical features of Retinitis Pigmentosa, and in others with sufficient genotyping information (example, Audo_2010, Littink_2010, Hitti-Malin_2022, Messchaert_2018). These data do not allow any conclusion about variant significance. To our knowledge, no experimental evidence demonstrating an impact on protein function has been reported. The following publications have been ascertained in the context of this evaluation (PMID: 20333770, 36259723, 20537394, 29159838). ClinVar contains an entry for this variant (Variation ID: 841943). Based on the evidence outlined above, the variant was classified as uncertain significance.

Labcorp Genetics (formerly Invitae), Labcorp
Classification: Uncertain significance. Last evaluated: 2024-12-02. Review status: criteria provided, single submitter. Criteria: Invitae Variant Classification Sherloc (09022015). Collection method: clinical testing. Allele origin: germline.
Comment: This sequence change replaces isoleucine, which is neutral and non-polar, with phenylalanine, which is neutral and non-polar, at codon 1232 of the EYS protein (p.Ile1232Phe). This variant is present in population databases (rs190009374, gnomAD 0.2%). This missense change has been observed in individual(s) with clinical features of EYS-related conditions and/or retinitis pigmentosa (PMID: 20333770, 36259723). ClinVar contains an entry for this variant (Variation ID: 841943). Invitae Evidence Modeling of protein sequence and biophysical properties (such as structural, functional, and spatial information, amino acid conservation, physicochemical variation, residue mobility, and thermodynamic stability) indicates that this missense variant is not expected to disrupt EYS protein function with a negative predictive value of 80%. In summary, the available evidence is currently insufficient to determine the role of this variant in disease. Therefore, it has been classified as a Variant of Uncertain Significance.

Blueprint Genetics
Classification: Uncertain significance. Last evaluated: 2024-09-09. Review status: criteria provided, single submitter. Criteria: ACMG Guidelines, 2015. Collection method: clinical testing. Allele origin: germline.

Fulgent Genetics
Classification: Uncertain significance for Retinitis pigmentosa 25. Last evaluated: 2022-05-12. Review status: criteria provided, single submitter. Criteria: ACMG Guidelines, 2015. Collection method: clinical testing. Allele origin: unknown.

Natera, Inc.
Classification: Uncertain significance for Retinitis pigmentosa. Last evaluated: 2020-09-16. Review status: no assertion criteria provided. Collection method: clinical testing. Allele origin: germline. Not counted in ClinVar's aggregate classification.

Literature cited by the submitters: PubMed 29159838 (cited by Women's Health and Genetics/Laboratory Corporation of America, LabCorp); PubMed 20333770 (cited by Women's Health and Genetics/Laboratory Corporation of America, LabCorp and Labcorp Genetics (formerly Invitae), Labcorp); PubMed 20537394 (cited by Women's Health and Genetics/Laboratory Corporation of America, LabCorp); PubMed 36259723 (cited by Women's Health and Genetics/Laboratory Corporation of America, LabCorp and Labcorp Genetics (formerly Invitae), Labcorp).

NM_001142800.2(EYS):c.3694A>T (p.Ile1232Phe)

Gene: EYS (EGF-like photoreceptor maintenance factor; minus strand). Cytogenetic location: 6q12.
Variant type: single nucleotide variant.
Coding change: c.3694A>T on transcript NM_001142800.2 (MANE Select); coding-DNA position 3694, A replaced by T.
Protein change: p.Ile1232Phe; replaces isoleucine 1232 with phenylalanine.
Molecular consequence: missense variant.
Genome position (GRCh38, 1-based): chr6:64,593,300, T>A on the plus strand (A>T on the coding strand, the complement: EYS is on the minus strand). VCF-style: chr6-64593300-T-A. GRCh37 (hg19) VCF-style: chr6-65303193-T-A.
Other names: c.3694A>T, p.Ile1232Phe (NM_001292009.2); short protein forms I1232F.
Identifiers: ClinVar variation 841943 (VCV000841943.11), dbSNP rs190009374, ClinGen allele CA3877137.